The following is an entry in ClinVar:

ClinVar aggregate classification (germline): Pathogenic (1 of 4 stars; one submission).

Conditions:
Hereditary nonpolyposis colorectal neoplasms. Identifiers: MedGen C0009405, MeSH D003123.

Submission:

Labcorp Genetics (formerly Invitae), Labcorp
Classification: Pathogenic for Hereditary nonpolyposis colorectal neoplasms. Last evaluated: 2024-01-18. Review status: criteria provided, single submitter. Criteria: Invitae Variant Classification Sherloc (09022015). Collection method: clinical testing. Allele origin: germline.
Comment: This sequence change creates a premature translational stop signal (p.Asn1301Lysfs*36) in the MSH6 gene. While this is not anticipated to result in nonsense mediated decay, it is expected to disrupt the last 60 amino acid(s) of the MSH6 protein. This variant is not present in population databases (gnomAD no frequency). This variant has not been reported in the literature in individuals affected with MSH6-related conditions. This variant disrupts a region of the MSH6 protein in which other variant(s) (p.Arg1334Serfs*7) have been determined to be pathogenic (Invitae). This suggests that this is a clinically significant region of the protein, and that variants that disrupt it are likely to be disease-causing. For these reasons, this variant has been classified as Pathogenic.

NM_000179.3(MSH6):c.3874_3902dup (p.Asn1301fs)

Gene: MSH6 (mutS homolog 6; plus strand). Cytogenetic location: 2p16.3.
Variant type: Duplication.
Coding change: c.3874_3902dup on transcript NM_000179.3 (MANE Select); coding-DNA positions 3874 to 3902, 29 bases duplicated (GGAGCTTGTCCTAAAAGCTATGGCTTTAA).
Protein change: p.Asn1301fs; shifts the reading frame from asparagine 1301.
Molecular consequence: frameshift variant. On other transcripts: nonsense (1), non-coding transcript variant (5), intron variant (1).
Genome position (GRCh38, 1-based): chr2:47,806,524-47,806,552, GGAGCTTGTCCTAAAAGCTATGGCTTTAA duplicated. VCF-style (leftmost placement, unchanged base first): chr2-47806523-G-GGGAGCTTGTCCTAAAAGCTATGGCTTTAA. GRCh37 (hg19) VCF-style: chr2-48033662-G-GGGAGCTTGTCCTAAAAGCTATGGCTTTAA.
Other names: c.3484_3512dup, p.Asn1171fs (NM_001281492.2); c.2968_2996dup, p.Asn999fs (NM_001281493.2, NM_001281494.2, NM_001406811.1 and 6 more transcripts); c.3970_3998dup, p.Asn1333fs (NM_001406795.1); c.3874_3902dup, p.Asn1301fs (NM_001406796.1, NM_001406808.1, NM_001406809.1); c.3577_3605dup, p.Asn1202fs (NM_001406797.1, NM_001406801.1, NM_001406818.1 and 10 more transcripts); c.3700_3728dup, p.Asn1243fs (NM_001406798.1); c.3349_3377dup, p.Asn1126fs (NM_001406799.1, NM_001406806.1, NM_001406807.1); c.3861_3889dup, p.Met1297delinsArgSerLeuSerTer (NM_001406800.1); and 9 more; short protein forms N1243fs, N1202fs, N1245fs, N1275fs, N1301fs, N1333fs, N228fs, N250fs.
Identifiers: ClinVar variation 2708155 (VCV002708155.3), dbSNP rs2530863948, ClinGen allele CA2697548081.
Genomic context (GRCh38, chr2:47,806,523, plus strand): 5'-AGAAAATGAATGTGAAGACCCCAGCCAGGAGACTATTACGTTCCTCTATAAATTCATTAA[G>GGGAGCTTGTCCTAAAAGCTATGGCTTTAA]GGAGCTTGTCCTAAAAGCTATGGCTTTAATGCAGCAAGGCTTGCTAATCTCCCAGAGGAA-3'